The following is an entry in ClinVar:

ClinVar aggregate classification (germline): Uncertain significance (1 of 4 stars; one submission).

Conditions:
Charcot-Marie-Tooth disease axonal type 2L. Also called: Charcot-Marie-Tooth Neuropathy Type 2L; CHARCOT-MARIE-TOOTH DISEASE, AXONAL, AUTOSOMAL DOMINANT, TYPE 2L; CHARCOT-MARIE-TOOTH NEUROPATHY, AXONAL, TYPE 2L. Identifiers: Orphanet 99945, MedGen C1837552, MONDO:0012096, OMIM 608673.

gnomAD v4.1: 1 of 1,614,010 alleles (0.000062%); highest among the groups gnomAD compares: Non-Finnish European, 0.000085%; no homozygotes.

Submission:

Labcorp Genetics (formerly Invitae), Labcorp
Classification: Uncertain significance for Charcot-Marie-Tooth disease axonal type 2L. Last evaluated: 2025-04-13. Review status: criteria provided, single submitter. Criteria: Invitae Variant Classification Sherloc (09022015). Collection method: clinical testing. Allele origin: germline.
Comment: This sequence change replaces aspartic acid, which is acidic and polar, with valine, which is neutral and non-polar, at codon 32 of the HSPB8 protein (p.Asp32Val). This variant is not present in population databases (gnomAD no frequency). This variant has not been reported in the literature in individuals affected with HSPB8-related conditions. ClinVar contains an entry for this variant (Variation ID: 3704103). An algorithm developed to predict the effect of missense changes on protein structure and function (PolyPhen-2) suggests that this variant is likely to be disruptive. In summary, the available evidence is currently insufficient to determine the role of this variant in disease. Therefore, it has been classified as a Variant of Uncertain Significance.

NM_014365.3(HSPB8):c.95A>T (p.Asp32Val)

Gene: HSPB8 (heat shock protein family B (small) member 8; plus strand). Cytogenetic location: 12q24.23.
Variant type: single nucleotide variant.
Coding change: c.95A>T on transcript NM_014365.3 (MANE Select); coding-DNA position 95, A replaced by T.
Protein change: p.Asp32Val; replaces aspartic acid 32 with valine.
Molecular consequence: missense variant.
Genome position (GRCh38, 1-based): chr12:119,179,407, A>T. VCF-style: chr12-119179407-A-T. GRCh37 (hg19) VCF-style: chr12-119617212-A-T.
Other names: short protein forms D32V.
Identifiers: ClinVar variation 3704103 (VCV003704103.2).